The following is an entry in ClinVar:

NM_014915.3(ANKRD26):c.880G>A (p.Ala294Thr)

Gene: ANKRD26 (ankyrin repeat domain 26; minus strand). Cytogenetic location: 10p12.1.
Variant type: single nucleotide variant.
Coding change: c.880G>A on transcript NM_014915.3 (MANE Select); coding-DNA position 880, G replaced by A.
Protein change: p.Ala294Thr; replaces alanine 294 with threonine.
Molecular consequence: missense variant.
Genome position (GRCh38, 1-based): chr10:27,077,535, C>T on the plus strand (G>A on the coding strand, the complement: ANKRD26 is on the minus strand). VCF-style: chr10-27077535-C-T. GRCh37 (hg19) VCF-style: chr10-27366464-C-T.
Other names: c.880G>A, p.Ala294Thr (NM_001256053.2); short protein forms A294T.
Identifiers: ClinVar variation 2889899 (VCV002889899.5), dbSNP rs377459077, ClinGen allele CA204434883.
Genomic context (GRCh38, chr10:27,077,535, plus strand): 5'-TATCGGAATCTCTATCCTCAAACAAAGTTCTATTTCCTGTTCTCACAGTGCCATATGTTG[C>T]TTCTACTACAGTAAAAACAAAATAAAGAGTAAATGAAAATATATGTAATTAAGAATCAGT-3'
Protein context (NP_055730.2, residues 284-304): ASQQSRKNLE[Ala294Thr]TYGTVRTGNR

ClinVar aggregate classification (germline): Uncertain significance. Review status: criteria provided, multiple submitters, no conflicts (2 of 4 stars). 3 submissions from 3 submitters: Uncertain significance (3). Last evaluated 2024-12-17.

Conditions:
Inborn genetic diseases. Identifiers: MedGen C0950123, MeSH D030342.

Allele frequency attached by ClinVar (database versions not stated): TOPMed 0.00002; gnomAD exomes 0.00007; ESP Exome Variant Server 0.00008.
gnomAD v4.1: 105 of 1,613,736 alleles (0.0065%); highest among the groups gnomAD compares: Non-Finnish European, 0.0089%; no homozygotes.

Submissions (3):

Labcorp Genetics (formerly Invitae), Labcorp
Classification: Uncertain significance. Last evaluated: 2024-12-17. Review status: criteria provided, single submitter. Criteria: Invitae Variant Classification Sherloc (09022015). Collection method: clinical testing. Allele origin: germline.
Comment: This sequence change replaces alanine, which is neutral and non-polar, with threonine, which is neutral and polar, at codon 294 of the ANKRD26 protein (p.Ala294Thr). This variant is present in population databases (rs377459077, gnomAD 0.002%). This variant has not been reported in the literature in individuals affected with ANKRD26-related conditions. ClinVar contains an entry for this variant (Variation ID: 2889899). An algorithm developed to predict the effect of missense changes on protein structure and function outputs the following: PolyPhen-2: "Benign". The threonine amino acid residue is found in multiple mammalian species, which suggests that this missense change does not adversely affect protein function. In summary, the available evidence is currently insufficient to determine the role of this variant in disease. Therefore, it has been classified as a Variant of Uncertain Significance.

Ambry Genetics
Classification: Uncertain significance for Inborn genetic diseases. Last evaluated: 2024-11-21. Review status: criteria provided, single submitter. Criteria: Ambry Variant Classification Scheme 2023. Collection method: clinical testing. Allele origin: germline.
Comment: The p.A294T variant (also known as c.880G>A), located in coding exon 9 of the ANKRD26 gene, results from a G to A substitution at nucleotide position 880. The alanine at codon 294 is replaced by threonine, an amino acid with similar properties. This amino acid position is conserved. In addition, this alteration is predicted to be tolerated by in silico analysis. Based on the available evidence, the clinical significance of this variant remains unclear.

GeneDx
Classification: Uncertain significance. Last evaluated: 2024-05-24. Review status: criteria provided, single submitter. Criteria: GeneDx Variant Classification Process June 2021. Collection method: clinical testing. Allele origin: germline. Affected: yes.
Comment: Not observed at significant frequency in large population cohorts (gnomAD); In silico analysis indicates that this missense variant does not alter protein structure/function; Has not been previously published as pathogenic or benign to our knowledge